The following is an entry in ClinVar:

ClinVar aggregate classification (germline): Conflicting classifications of pathogenicity. Review status: criteria provided, conflicting classifications (1 of 4 stars). 2 submissions from 2 submitters: Uncertain significance (1); Benign (1). Last evaluated 2025-08-19.

Conditions:
Cardiovascular phenotype. Identifiers: MedGen CN230736.
Osteogenesis imperfecta type I (OI1). Also called: OI, TYPE I; OSTEOGENESIS IMPERFECTA TARDA; OSTEOGENESIS IMPERFECTA WITH BLUE SCLERAE; Classic Non-deforming Osteogenesis Imperfecta with Blue Sclerae; Lobstein disease; Osteogenesis imperfecta type 1. Identifiers: Orphanet 216796, Orphanet 666, MedGen C0023931, MONDO:0008146, OMIM 166200. Disease mechanism: loss of function.

Allele frequency attached by ClinVar (database versions not stated): ExAC 0.00001; TOPMed 0.00002; gnomAD 0.00003; 1000 Genomes Project 30x 0.00016; 1000 Genomes Project 0.00020.
gnomAD v4.1: 18 of 1,613,564 alleles (0.0011%); highest among the groups gnomAD compares: African/African-American, 0.0027%; no homozygotes.

Submissions (2):

Labcorp Genetics (formerly Invitae), Labcorp
Classification: Benign for Osteogenesis imperfecta type I. Last evaluated: 2025-08-19. Review status: criteria provided, single submitter. Criteria: Invitae Variant Classification Sherloc (09022015). Collection method: clinical testing. Allele origin: germline.

Ambry Genetics
Classification: Uncertain significance for Cardiovascular phenotype. Last evaluated: 2024-11-13. Review status: criteria provided, single submitter. Criteria: Ambry Variant Classification Scheme 2023. Collection method: clinical testing. Allele origin: germline.
Comment: The p.K1270T variant (also known as c.3809A>C), located in coding exon 48 of the COL1A1 gene, results from an A to C substitution at nucleotide position 3809. The lysine at codon 1270 is replaced by threonine, an amino acid with similar properties. This amino acid position is well conserved in available vertebrate species. In addition, the in silico prediction for this alteration is inconclusive. Based on the available evidence, the clinical significance of this variant remains unclear.

NM_000088.4(COL1A1):c.3809A>C (p.Lys1270Thr)

Gene: COL1A1 (collagen type I alpha 1 chain; minus strand). Cytogenetic location: 17q21.33.
Variant type: single nucleotide variant.
Coding change: c.3809A>C on transcript NM_000088.4 (MANE Select); coding-DNA position 3809, A replaced by C.
Protein change: p.Lys1270Thr; replaces lysine 1270 with threonine.
Molecular consequence: missense variant.
Genome position (GRCh38, 1-based): chr17:50,186,645, T>G on the plus strand (A>C on the coding strand, the complement: COL1A1 is on the minus strand). VCF-style: chr17-50186645-T-G. GRCh37 (hg19) VCF-style: chr17-48264006-T-G.
Other names: short protein forms K1270T.
Identifiers: ClinVar variation 2044466 (VCV002044466.5), dbSNP rs572950705, ClinGen allele CA8644348.